The following is an entry in ClinVar:

NM_000153.4(GALC):c.1768A>T (p.Arg590Ter)

Gene: GALC (galactosylceramidase; minus strand). Cytogenetic location: 14q31.3.
Variant type: single nucleotide variant.
Coding change: c.1768A>T on transcript NM_000153.4 (MANE Select); coding-DNA position 1768, A replaced by T.
Protein change: p.Arg590Ter; replaces arginine 590 with a stop codon.
Molecular consequence: nonsense. On other transcripts: non-coding transcript variant (1).
Genome position (GRCh38, 1-based): chr14:87,941,461, T>A on the plus strand (A>T on the coding strand, the complement: GALC is on the minus strand). VCF-style: chr14-87941461-T-A. GRCh37 (hg19) VCF-style: chr14-88407805-T-A.
Other names: c.1699A>T, p.Arg567Ter (NM_001201401.2); c.1690A>T, p.Arg564Ter (NM_001201402.2); c.1600A>T, p.Arg534Ter (NM_001424071.1, NM_001424072.1, NM_001424073.1); c.1420A>T, p.Arg474Ter (NM_001424074.1, NM_001424075.1); c.1135A>T, p.Arg379Ter (NM_001424076.1, NM_001424077.1); short protein forms R379*, R474*, R534*, R564*, R567*, R590*.
Identifiers: ClinVar variation 4068212 (VCV004068212.2).
Genomic context (GRCh38, chr14:87,941,461, plus strand): 5'-CACCTGTAACCCTGTAAGATCCATTTGCAAAAATCCAGAAGAAAATTCCTCTGGCACTTC[T>A]AATCAAAATACCACCTTTATTTACTCTTCCTGCAATGAACACACCTCCTGTGTCAGGGGT-3'

ClinVar aggregate classification (germline): Likely pathogenic (1 of 4 stars; one submission).

Conditions:
Galactosylceramide beta-galactosidase deficiency. Also called: Leukodystrophy, Globoid Cell; Krabbe Disease; GALACTOCEREBROSIDASE DEFICIENCY; GALC DEFICIENCY; GLOBOID CELL LEUKOENCEPHALOPATHY. Identifiers: Orphanet 487, MedGen C0023521, MONDO:0009499, OMIM 245200.

Submission:

Natera, Inc.
Classification: Likely pathogenic for Galactosylceramide beta-galactosidase deficiency. Last evaluated: 2025-03-16. Review status: criteria provided, single submitter. Criteria: Natera Variant Classification Schema (03/2026). Collection method: clinical testing. Allele origin: germline.
Comment: The c.1768A>T variant in GALC is a nonsense variant predicted to introduce a stop codon at amino acid 590. This variant is expected to result in nonsense mediated decay, truncation, or a dysfunctional protein product. This variant is rare in the general population with a frequency below the threshold expected for the associated phenotype(s). Given the available evidence, this variant is classified as Likely Pathogenic.